The following is an entry in ClinVar:

NM_145691.4(ATPAF2):c.802G>A (p.Ala268Thr)

Gene: ATPAF2 (ATP synthase mitochondrial F1 complex assembly factor 2; minus strand). Cytogenetic location: 17p11.2.
Variant type: single nucleotide variant.
Coding change: c.802G>A on transcript NM_145691.4 (MANE Select); coding-DNA position 802, G replaced by A.
Protein change: p.Ala268Thr; replaces alanine 268 with threonine.
Molecular consequence: missense variant.
Genome position (GRCh38, 1-based): chr17:18,018,617, C>T on the plus strand (G>A on the coding strand, the complement: ATPAF2 is on the minus strand). VCF-style: chr17-18018617-C-T. GRCh37 (hg19) VCF-style: chr17-17921931-C-T.
Other names: p.A268T:GCC>ACC; short protein forms A268T.
Identifiers: ClinVar variation 214138 (VCV000214138.11), dbSNP rs368477064, ClinGen allele CA321591.

ClinVar aggregate classification (germline): Uncertain significance. Review status: criteria provided, multiple submitters, no conflicts (2 of 4 stars). 3 submissions from 3 submitters: Uncertain significance (3). Last evaluated 2026-10-02.

Conditions:
Mitochondrial complex V (ATP synthase) deficiency, nuclear type 1. Also called: MITOCHONDRIAL COMPLEX V (ATP SYNTHASE) DEFICIENCY, ATPAF2 TYPE; Nuclear-Encoded ATPase Deficiency, ATPAF2-Related. Identifiers: Orphanet 254913, MedGen C3276276, MONDO:0011421, OMIM 604273.

Allele frequency attached by ClinVar (database versions not stated): ExAC 0.00002; gnomAD exomes 0.00004 and 0.00005; gnomAD 0.00010; TOPMed 0.00013; ESP Exome Variant Server 0.00015.
gnomAD v4.1: 86 of 1,613,858 alleles (0.0053%); highest among the groups gnomAD compares: East Asian, 0.036%; no homozygotes.

Submissions (3):

GeneDx
Classification: Uncertain significance. Last evaluated: 2026-10-02. Review status: criteria provided, single submitter. Criteria: GeneDx Variant Classification Process June 2021. Collection method: clinical testing. Allele origin: germline.
Comment: In silico analysis supports that this missense variant has a deleterious effect on protein structure/function; Has not been previously published as pathogenic or benign to our knowledge

Labcorp Genetics (formerly Invitae), Labcorp
Classification: Uncertain significance. Last evaluated: 2025-10-01. Review status: criteria provided, single submitter. Criteria: Invitae Variant Classification Sherloc (09022015). Collection method: clinical testing. Allele origin: germline.
Comment: This sequence change replaces alanine, which is neutral and non-polar, with threonine, which is neutral and polar, at codon 268 of the ATPAF2 protein (p.Ala268Thr). This variant is present in population databases (rs368477064, gnomAD 0.02%). This variant has not been reported in the literature in individuals affected with ATPAF2-related conditions. ClinVar contains an entry for this variant (Variation ID: 214138). Invitae Evidence Modeling of protein sequence and biophysical properties (such as structural, functional, and spatial information, amino acid conservation, physicochemical variation, residue mobility, and thermodynamic stability) indicates that this missense variant is expected to disrupt ATPAF2 protein function with a positive predictive value of 80%. In summary, the available evidence is currently insufficient to determine the role of this variant in disease. Therefore, it has been classified as a Variant of Uncertain Significance.

Baylor Genetics
Classification: Uncertain significance for Mitochondrial complex V (ATP synthase) deficiency, nuclear type 1. Last evaluated: 2018-05-15. Review status: criteria provided, single submitter. Criteria: ACMG Guidelines, 2015. Collection method: clinical testing. Allele origin: unknown. Affected: yes.
Comment: This variant was determined to be of uncertain significance according to ACMG Guidelines, 2015 [PMID:25741868].